The following is an entry in ClinVar:

NM_000321.3(RB1):c.607+1G>T

Gene: RB1 (RB transcriptional corepressor 1; plus strand). Cytogenetic location: 13q14.2.
Variant type: single nucleotide variant.
Coding change: c.607+1G>T on transcript NM_000321.3 (MANE Select); the canonical splice donor site of the intron after coding-DNA position 607, G replaced by T.
Molecular consequence: splice donor variant.
Genome position (GRCh38, 1-based): chr13:48,349,024, G>T. VCF-style: chr13-48349024-G-T. GRCh37 (hg19) VCF-style: chr13-48923160-G-T.
Other names: IVS6, G-T, +1; c.607+1G>T (NM_001407165.1, NM_001407166.1).
Identifiers: ClinVar variation 13093 (VCV000013093.19), dbSNP rs587776789, ClinGen allele CA026463.

ClinVar aggregate classification (germline): Pathogenic. Review status: criteria provided, multiple submitters, no conflicts (2 of 4 stars). 9 submissions from 9 submitters: Pathogenic (8). 1 of the submissions does not count toward it. Last evaluated 2025-07-08.

Conditions:
Hereditary retinoblastoma. Identifiers: Orphanet 357027, MedGen C0751483, MONDO:0018160.
Hereditary cancer-predisposing syndrome. Also called: Tumor predisposition; Hereditary neoplastic syndrome; Neoplastic Syndromes, Hereditary; Hereditary Cancer Syndrome. Identifiers: Orphanet 140162, MedGen C0027672, MeSH D009386, MONDO:0015356.
Small cell lung carcinoma. Also called: SMALL CELL CANCER OF THE LUNG, SOMATIC; Small cell lung cancer; Lung oat cell carcinoma. Identifiers: Orphanet 70573, MedGen C0149925, MeSH D055752, MONDO:0008433, OMIM 182280, HP:0030357.
Bone osteosarcoma. Also called: Osteosarcoma, somatic. Identifiers: Orphanet 668, MedGen C0585442, MONDO:0002629, OMIM 259500.
Malignant tumor of urinary bladder. Also called: Bladder cancer; Urinary bladder cancer; Urinary Bladder Neoplasms. Identifiers: MedGen C0005684, MONDO:0001187, OMIM 109800.
Retinoblastoma (RB1). Also called: RETINOBLASTOMA, SOMATIC. Identifiers: Orphanet 790, MedGen C0035335, MeSH D012175, MONDO:0008380, OMIM 180200, HP:0009919. Disease mechanism: loss of function. Inheritance: Both sporadic and heritable forms are tested..

Allele frequency attached by ClinVar (database versions not stated): gnomAD exomes below 0.00001; TOPMed 0.00001.
gnomAD v4.1: 1 of 1,594,608 alleles (0.000063%); no homozygotes.

Submissions (9):

Institute for Genomic Medicine (IGM) Clinical Laboratory, Nationwide Children's Hospital
Classification: Pathogenic for Hereditary retinoblastoma. Last evaluated: 2025-07-08. Review status: criteria provided, single submitter. Criteria: ACMG Guidelines, 2015. Collection method: clinical testing. Allele origin: germline.
Comment: This variant is predicted to result in loss of function through nonsense-mediated decay of the encoded transcript or premature truncation of the encoded protein in a gene in which loss of function is a known mechanism of disease (ACMG/AMP: PVS1). This variant has been reported at an elevated frequency in affected individuals/in multiple affected individuals in the literature (ACMG/AMP: PS4; PMIDs:10502774, 8651278, 12016586, 16269091, 17096365, 26925970, 28575107, 18000883). This variant is absent from or present at an exceedingly low frequency in gnomAD, a large-scale control population database (ACMG/AMP: PM2).

Labcorp Genetics (formerly Invitae), Labcorp
Classification: Pathogenic for Retinoblastoma. Last evaluated: 2025-05-18. Review status: criteria provided, single submitter. Criteria: Invitae Variant Classification Sherloc (09022015). Collection method: clinical testing. Allele origin: germline.
Comment: This sequence change affects a donor splice site in intron 6 of the RB1 gene. RNA analysis indicates that disruption of this splice site induces altered splicing and may result in an absent or altered protein product. This variant is not present in population databases (gnomAD no frequency). Disruption of this splice site has been observed in individual(s) with retinoblastoma (PMID: 8651278, 12016586, 16269091, 17096365, 26925970, 28575107). It has also been observed to segregate with disease in related individuals. Invitae Evidence Modeling of clinical and family history, age, sex, and reported ancestry of multiple individuals with this RB1 variant has been performed. This variant is expected to be pathogenic with a positive predictive value of at least 99%. This is a validated machine learning model that incorporates the clinical features of 413,071 individuals referred to our laboratory for RB1 testing. ClinVar contains an entry for this variant (Variation ID: 13093). Studies have shown that disruption of this splice site results in skipping of exon 6, and produces a non-functional protein and/or introduces a premature termination codon (PMID: 18000883). For these reasons, this variant has been classified as Pathogenic.

Genetic Diagnostic Laboratory, University of Pennsylvania School of Medicine
Classification: Pathogenic for Retinoblastoma. Last evaluated: 2024-05-20. Review status: criteria provided, single submitter. Criteria: ACMG Guidelines, 2015. Collection method: clinical testing. Allele origin: germline. Affected: yes. Observed: 6 variant alleles.
Comment: Case and Pedigree Information: BILATERAL CASES:2, UNILATERAL CASES:4, TOTAL CASES:6, PEDIGREES:6. ACMG Codes Applied:PVS1, PM2, PS4SUP

St. Jude Molecular Pathology, St. Jude Children's Research Hospital
Classification: Pathogenic for Retinoblastoma. Last evaluated: 2023-09-26. Review status: criteria provided, single submitter. Criteria: St. Jude Assertion Criteria 2020. Collection method: clinical testing. Allele origin: germline. Affected: yes.
Comment: The RB1 c.607+1G>T intronic change results in a G to T substitution at the +1 position of intron 6 of the RB1 gene. This variant results in skipping of exon 6 resulting in a premature termination codon and nonsense-mediated decay (PMID: 12016586, 18000883). This variant has been identified in individuals with a personal and/or family history of retinoblastoma (PMID: 8651278, 12016586, 17096365, 28575107, internal data) and osteosarcoma (internal data). Interestingly, there are several reported carriers of this variant who did not develop retinoblastoma. It is thought to be associated with differential penetrance based on the sex of the transmitted parent, where paternally inherited alleles show increased penetrance (PMID: 12016586, 17096365). This variant is absent in gnomAD v2.1.1. In summary, this variant meets criteria to be classified as pathogenic.

GeneDx
Classification: Pathogenic. Last evaluated: 2022-08-24. Review status: criteria provided, single submitter. Criteria: GeneDx Variant Classification Process June 2021. Collection method: clinical testing. Allele origin: germline. Affected: yes.
Comment: Canonical splice site variant demonstrated to cause skipping of exon 6 and a premature stop codon in exon 7, resulting in a null allele in a gene for which loss-of-function is a known mechanism of disease (Klutz et al., 2002; Gamez-Pozo et al., 2007); Analysis of multiple families showed increased penetrance when c.607+1G>T was paternally inherited (71% compared to 9% when maternally inherited), suggesting this variant is associated with a parent-of-origin effect (Klutz et al., 2002; Taylor et al., 2007; Buiting et al., 2010); Not observed at significant frequency in large population cohorts (gnomAD); This variant is associated with the following publications: (PMID: 8651278, 24814393, 26925970, 21654082, 25754945, 16269091, 18000883, 14722923, 12541220, 10660960, 11317357, 23820649, 10023315, 25525159, 28575107, 17096365, 20551090, 12016586, 33670346, 34680218)

Ambry Genetics
Classification: Pathogenic for Hereditary cancer-predisposing syndrome. Last evaluated: 2022-04-11. Review status: criteria provided, single submitter. Criteria: Ambry Variant Classification Scheme 2023. Collection method: clinical testing. Allele origin: germline.
Comment: The c.607+1G>T intronic pathogenic mutation results from a G to T substitution one nucleotide after coding exon 6 of the RB1 gene. This mutation has been reported in multiple individuals/families with retinoblastoma (Ambry internal data; Lohmann DR et al. Am. J. Hum. Genet. 1996 May;58:940-9; Tomar S et al. PLoS ONE. 2017 Jun;12:e0178776; Taylor M et al. Hum. Mutat. 2007 Mar;28:284-93; Klutz M et al. Am. J. Hum. Genet. 2002 Jul;71:174-9). RNA analyses from affected individuals have shown that this alteration leads to skipping of exon 6 (Ambry internal data; G&aacute;mez-Pozo A et al. Hum. Mutat. 2007 Dec;28:1245; Klutz M et al. Am. J. Hum. Genet. 2002 Jul;71:174-9). This variant is considered to be rare based on population cohorts in the Genome Aggregation Database (gnomAD). In addition to the clinical data presented in the literature, alterations that disrupt the canonical splice site are expected to cause aberrant splicing, resulting in an abnormal protein or a transcript that is subject to nonsense-mediated mRNA decay. As such, this alteration is classified as a disease-causing mutation.

Centre for Mendelian Genomics, University Medical Centre Ljubljana
Classification: Pathogenic for Retinoblastoma. Last evaluated: 2014-03-14. Review status: criteria provided, single submitter. Criteria: ACMG Guidelines, 2015. Collection method: clinical testing. Allele origin: unknown. Affected: yes.

Juno Genomics, Hangzhou Juno Genomics, Inc
Classification: Pathogenic for Malignant tumor of urinary bladder; Bone osteosarcoma; Retinoblastoma; Small cell lung carcinoma. Review status: criteria provided, single submitter. Criteria: ACMG Guidelines, 2015. Collection method: clinical testing. Allele origin: germline. Affected: yes.
Comment: Null variant in a gene where loss of function (LOF) is a known mechanism of disease.;Absent from controls (or at extremely low frequency if recessive) in Genome Aggregation Database, Exome Sequencing Project, 1000 Genomes Project, or Exome Aggregation Consortium.;The prevalence of the variant in affected individuals is significantly increased compared to the prevalence in controls.;Patient's phenotype or family history is highly specific for a disease with a single genetic etiology.

OMIM
Classification: Pathogenic for RETINOBLASTOMA. Last evaluated: 2002-07-01. Review status: no assertion criteria provided. Collection method: literature only. Allele origin: germline. Not counted in ClinVar's aggregate classification.

Literature cited by the submitters: PubMed 10502774 (cited by Institute for Genomic Medicine (IGM) Clinical Laboratory, Nationwide Children's Hospital); PubMed 8651278 (cited by 3 submitters); PubMed 12016586 (cited by 4 submitters); PubMed 16269091 (cited by Institute for Genomic Medicine (IGM) Clinical Laboratory, Nationwide Children's Hospital and Labcorp Genetics (formerly Invitae), Labcorp); PubMed 17096365 (cited by 3 submitters); PubMed 26925970 (cited by Institute for Genomic Medicine (IGM) Clinical Laboratory, Nationwide Children's Hospital and Labcorp Genetics (formerly Invitae), Labcorp); PubMed 28575107 (cited by 3 submitters); PubMed 18000883 (cited by 3 submitters).